The following is an entry in ClinVar:

ClinVar aggregate classification (germline): Uncertain significance (1 of 4 stars; one submission).

Allele frequency attached by ClinVar (database versions not stated): TOPMed below 0.00001; gnomAD 0.00001.
gnomAD v4.1: 1 of 1,614,036 alleles (0.000062%); highest among the groups gnomAD compares: Non-Finnish European, 0.000085%; no homozygotes.

Submission:

GeneDx
Classification: Uncertain significance. Last evaluated: 2022-07-26. Review status: criteria provided, single submitter. Criteria: GeneDx Variant Classification Process June 2021. Collection method: clinical testing. Allele origin: germline. Affected: yes.
Comment: Not observed at significant frequency in large population cohorts (gnomAD); In silico analysis supports that this missense variant does not alter protein structure/function; Has not been previously published as pathogenic or benign to our knowledge

NM_001273.5(CHD4):c.610G>A (p.Val204Ile)

Gene: CHD4 (chromodomain helicase DNA binding protein 4; minus strand). Cytogenetic location: 12p13.31.
Variant type: single nucleotide variant.
Coding change: c.610G>A on transcript NM_001273.5 (MANE Select); coding-DNA position 610, G replaced by A.
Protein change: p.Val204Ile; replaces valine 204 with isoleucine.
Molecular consequence: missense variant.
Genome position (GRCh38, 1-based): chr12:6,601,478, C>T on the plus strand (G>A on the coding strand, the complement: CHD4 is on the minus strand). VCF-style: chr12-6601478-C-T. GRCh37 (hg19) VCF-style: chr12-6710644-C-T.
Other names: c.589G>A, p.Val197Ile (NM_001297553.2); c.610G>A, p.Val204Ile (NM_001363606.2); short protein forms V197I, V204I.
Identifiers: ClinVar variation 2413085 (VCV002413085.3), dbSNP rs1156927798, ClinGen allele CA383603344.